The following is an entry in ClinVar:

NM_002471.4(MYH6):c.1078T>C (p.Tyr360His)

Gene: MYH6 (myosin heavy chain 6; minus strand). Cytogenetic location: 14q11.2.
Variant type: single nucleotide variant.
Coding change: c.1078T>C on transcript NM_002471.4 (MANE Select); coding-DNA position 1078, T replaced by C.
Protein change: p.Tyr360His; replaces tyrosine 360 with histidine.
Molecular consequence: missense variant.
Genome position (GRCh38, 1-based): chr14:23,402,527, A>G on the plus strand (T>C on the coding strand, the complement: MYH6 is on the minus strand). VCF-style: chr14-23402527-A-G. GRCh37 (hg19) VCF-style: chr14-23871736-A-G.
Other names: short protein forms Y360H.
Identifiers: ClinVar variation 1710557 (VCV001710557.9), dbSNP rs908733511, ClinGen allele CA257795084.

ClinVar aggregate classification (germline): Uncertain significance. Review status: criteria provided, multiple submitters, no conflicts (2 of 4 stars). 3 submissions from 3 submitters: Uncertain significance (3). Last evaluated 2025-08-02.

Conditions:
Cardiovascular phenotype. Identifiers: MedGen CN230736.
Hypertrophic cardiomyopathy 14. Identifiers: MedGen C2750467, MONDO:0013197, OMIM 613251.

Allele frequency attached by ClinVar (database versions not stated): TOPMed 0.00003; gnomAD 0.00004.
gnomAD v4.1: 9 of 1,613,656 alleles (0.00056%); highest among the groups gnomAD compares: African/African-American, 0.011%; no homozygotes.

Submissions (3):

Labcorp Genetics (formerly Invitae), Labcorp
Classification: Uncertain significance for Hypertrophic cardiomyopathy 14. Last evaluated: 2025-08-02. Review status: criteria provided, single submitter. Criteria: Invitae Variant Classification Sherloc (09022015). Collection method: clinical testing. Allele origin: germline.
Comment: This sequence change replaces tyrosine, which is neutral and polar, with histidine, which is basic and polar, at codon 360 of the MYH6 protein (p.Tyr360His). This variant is present in population databases (no rsID available, gnomAD 0.02%). This variant has not been reported in the literature in individuals affected with MYH6-related conditions. ClinVar contains an entry for this variant (Variation ID: 1710557). Invitae Evidence Modeling of protein sequence and biophysical properties (such as structural, functional, and spatial information, amino acid conservation, physicochemical variation, residue mobility, and thermodynamic stability) indicates that this missense variant is expected to disrupt MYH6 protein function with a positive predictive value of 80%. In summary, the available evidence is currently insufficient to determine the role of this variant in disease. Therefore, it has been classified as a Variant of Uncertain Significance.

Ambry Genetics
Classification: Uncertain significance for Cardiovascular phenotype. Last evaluated: 2024-08-07. Review status: criteria provided, single submitter. Criteria: Ambry Variant Classification Scheme 2023. Collection method: clinical testing. Allele origin: germline.
Comment: The p.Y360H variant (also known as c.1078T>C), located in coding exon 10 of the MYH6 gene, results from a T to C substitution at nucleotide position 1078. The tyrosine at codon 360 is replaced by histidine, an amino acid with similar properties. This amino acid position is conserved. In addition, this alteration is predicted to be tolerated by in silico analysis. Since supporting evidence is limited at this time, the clinical significance of this alteration remains unclear.

GeneDx
Classification: Uncertain significance. Last evaluated: 2023-10-13. Review status: criteria provided, single submitter. Criteria: GeneDx Variant Classification Process June 2021. Collection method: clinical testing. Allele origin: germline. Affected: yes.
Comment: Has not been previously published as pathogenic or benign to our knowledge; In silico analysis supports that this missense variant has a deleterious effect on protein structure/function